The following is an entry in ClinVar:

NM_001375834.1(WIPF1):c.593C>T (p.Pro198Leu)

Gene: WIPF1 (WAS/WASL interacting protein family member 1; minus strand). Cytogenetic location: 2q31.1.
Variant type: single nucleotide variant.
Coding change: c.593C>T on transcript NM_001375834.1 (MANE Select); coding-DNA position 593, C replaced by T.
Protein change: p.Pro198Leu; replaces proline 198 with leucine.
Molecular consequence: missense variant.
Genome position (GRCh38, 1-based): chr2:174,572,212, G>A on the plus strand (C>T on the coding strand, the complement: WIPF1 is on the minus strand). VCF-style: chr2-174572212-G-A. GRCh37 (hg19) VCF-style: chr2-175436940-G-A.
Other names: c.593C>T, p.Pro198Leu (NM_001077269.1, NM_001375832.1, NM_001375833.1 and 5 more transcripts); c.215C>T, p.Pro72Leu (NM_001375839.1); short protein forms P198L, P72L.
Identifiers: ClinVar variation 403608 (VCV000403608.24), dbSNP rs4972450, ClinGen allele CA1974101.

ClinVar aggregate classification (germline): Benign/Likely benign. Review status: criteria provided, multiple submitters, no conflicts (2 of 4 stars). 9 submissions from 9 submitters: Benign (8); Likely benign (1). Last evaluated 2026-02-04.

Conditions:
Wiskott-Aldrich syndrome 2 (WAS2). Also called: WIPF1 DEFICIENCY. Identifiers: Orphanet 906, MedGen C3281001, MONDO:0013779, OMIM 614493.

Allele frequency attached by ClinVar (database versions not stated): 1000 Genomes Project 30x 0.90522; 1000 Genomes Project 0.90795; TOPMed 0.92168; ESP Exome Variant Server 0.92300; gnomAD 0.92386 and 0.92448; ExAC 0.94105; gnomAD exomes 0.94465 and 0.95196.
gnomAD v4.1: 1,531,756 of 1,614,064 alleles (95%); highest among the groups gnomAD compares: East Asian, 99%; 727,748 homozygotes.

Submissions (9):

Labcorp Genetics (formerly Invitae), Labcorp
Classification: Benign for Wiskott-Aldrich syndrome 2. Last evaluated: 2026-02-04. Review status: criteria provided, single submitter. Criteria: Invitae Variant Classification Sherloc (09022015). Collection method: clinical testing. Allele origin: germline.

Blueprint Genetics
Classification: Likely benign. Last evaluated: 2024-11-26. Review status: criteria provided, single submitter. Criteria: ACMG Guidelines, 2015. Collection method: clinical testing. Allele origin: germline.

Unidad de Genómica Garrahan, Hospital de Pediatría Garrahan
Classification: Benign. Last evaluated: 2024-01-24. Review status: criteria provided, single submitter. Criteria: ACMG Guidelines, 2015. Collection method: clinical testing. Allele origin: germline. Affected: no. Observed: 88 variant alleles.
Comment: This variant is classified as Benign based on local population frequency. This variant was detected in 100% of patients studied by a panel of primary immunodeficiencies. Number of patients: 88. Only high quality variants are reported.

Genome-Nilou Lab
Classification: Benign for Wiskott-Aldrich syndrome 2. Last evaluated: 2021-12-05. Review status: criteria provided, single submitter. Criteria: ACMG Guidelines, 2015. Collection method: clinical testing. Allele origin: germline. Affected: no.

GeneDx
Classification: Benign. Last evaluated: 2021-06-09. Review status: criteria provided, single submitter. Criteria: GeneDx Variant Classification Process June 2021. Collection method: clinical testing. Allele origin: germline. Affected: yes.

Mendelics
Classification: Benign for Wiskott-Aldrich syndrome 2. Last evaluated: 2019-05-28. Review status: criteria provided, single submitter. Criteria: Mendelics Assertion Criteria 2017. Collection method: clinical testing. Allele origin: unknown.

Mayo Clinic Laboratories, Mayo Clinic
Classification: Benign. Last evaluated: 2018-03-20. Review status: criteria provided, single submitter. Criteria: ACMG Guidelines, 2015. Collection method: clinical testing. Allele origin: germline. Observed: 1,652 variant alleles.

Laboratory for Molecular Medicine, Mass General Brigham Personalized Medicine
Classification: Benign. Last evaluated: 2016-03-28. Review status: criteria provided, single submitter. Criteria: LMM Criteria. Collection method: clinical testing. Allele origin: germline.
Comment: Variant identified in a genome or exome case(s) and assessed due to predicted null impact of the variant or pathogenic assertions in the literature or databases. Disclaimer: This variant has not undergone full assessment. The following are preliminary notes: Frequency

Breakthrough Genomics
Classification: Benign. Review status: criteria provided, single submitter. Criteria: ACMG Guidelines, 2015. Collection method: not provided. Allele origin: germline. Inheritance: Autosomal recessive inheritance. Affected: yes.